The following is an entry in ClinVar:

ClinVar aggregate classification (germline): Likely benign. Review status: criteria provided, multiple submitters, no conflicts (2 of 4 stars). 2 submissions from 2 submitters: Likely benign (2). Last evaluated 2025-09-22.

Conditions:
Birt-Hogg-Dube syndrome. Also called: Birt Hogg Dubé syndrome. Identifiers: Orphanet 122, MedGen C0346010, MONDO:0800444.
Birt-Hogg-Dube syndrome 1 (BHD1). Also called: FIBROFOLLICULOMAS WITH TRICHODISCOMAS AND ACROCHORDONS. Identifiers: Orphanet 122, MedGen CN375946, MONDO:0800445, OMIM 135150.

Submissions (2):

Labcorp Genetics (formerly Invitae), Labcorp
Classification: Likely benign for Birt-Hogg-Dube syndrome. Last evaluated: 2025-09-22. Review status: criteria provided, single submitter. Criteria: Invitae Variant Classification Sherloc (09022015). Collection method: clinical testing. Allele origin: germline.

Myriad Genetics, Inc.
Classification: Likely benign for Birt-Hogg-Dube syndrome 1. Last evaluated: 2024-10-24. Review status: criteria provided, single submitter. Criteria: Myriad Autosomal Dominant, Autosomal Recessive and X-Linked Classification Criteria (2023). Collection method: clinical testing. Allele origin: unknown.
Comment: This variant is considered likely benign. This variant is intronic and is not expected to impact mRNA splicing.

NM_144997.7(FLCN):c.1301-13T>C

Gene: FLCN (folliculin; minus strand). Cytogenetic location: 17p11.2.
Variant type: single nucleotide variant.
Coding change: c.1301-13T>C on transcript NM_144997.7 (MANE Select); 13 bases into the intron before coding-DNA position 1301, T replaced by C.
Molecular consequence: intron variant.
Genome position (GRCh38, 1-based): chr17:17,215,329, A>G on the plus strand (T>C on the coding strand, the complement: FLCN is on the minus strand). VCF-style: chr17-17215329-A-G. GRCh37 (hg19) VCF-style: chr17-17118643-A-G.
Other names: c.1301-13T>C (NM_001353231.2, NM_001353230.2); c.1355-13T>C (NM_001353229.2).
Identifiers: ClinVar variation 2726949 (VCV002726949.4), dbSNP rs2544149641, ClinGen allele CA2697559476.
Genomic context (GRCh38, chr17:17,215,329, plus strand): 5'-GGAGGGTGGAACGTGCGGCTGCGTGGACCTCCACGATGACAGCAAACTCTGTAACAACAC[A>G]AGGCCCGTGGCTCCTCATCTCCCCCATGCTCCTCACCTCCCCTGCGCTAGCCCACCGTGG-3'